The following is an entry in ClinVar:

ClinVar aggregate classification (germline): Conflicting classifications of pathogenicity. Review status: criteria provided, conflicting classifications (1 of 4 stars). 20 submissions from 20 submitters: Uncertain significance (17); Likely benign (2). 1 of the submissions does not count toward it. Last evaluated 2026-01-10.

Conditions:
Ataxia-telangiectasia syndrome (AT). Also called: Ataxia-telangiectasia, complementation group D; AT, COMPLEMENTATION GROUP C; Ataxia-telangiectasia; ATAXIA-TELANGIECTASIA, COMPLEMENTATION GROUP A; ATAXIA-TELANGIECTASIA, FRESNO VARIANT; Ataxia-telangiectasia, complementation group E. Identifiers: Orphanet 100, MedGen C0004135, MONDO:0008840, OMIM 208900.
Hereditary cancer-predisposing syndrome. Also called: Neoplastic Syndromes, Hereditary; Hereditary Cancer Syndrome; Tumor predisposition; Hereditary neoplastic syndrome. Identifiers: Orphanet 140162, MedGen C0027672, MeSH D009386, MONDO:0015356.
ATM-related disorder. Also called: ATM-related disorders; ATM-related condition.
Breast and/or ovarian cancer. Identifiers: MedGen CN221562.
Familial cancer of breast. Also called: BREAST CANCER, FAMILIAL; hereditary breast carcinoma; Hereditary breast cancer. Identifiers: Orphanet 227535, MedGen C0346153, MONDO:0016419, OMIM 114480. Disease mechanism: loss of function.

Allele frequency attached by ClinVar (database versions not stated): TOPMed 0.00008; gnomAD 0.00011 and 0.00010.
gnomAD v4.1: 67 of 1,600,824 alleles (0.0042%); highest among the groups gnomAD compares: African/African-American, 0.014%; no homozygotes.

Submissions 1 to 13 of 20:

PreventionGenetics, part of Exact Sciences
Classification: Uncertain significance for ATM-related condition. Last evaluated: 2026-01-10. Review status: criteria provided, single submitter. Criteria: ACMG Guidelines, 2015. Collection method: clinical testing. Allele origin: germline.
Comment: The ATM c.6343G>A variant is predicted to result in the amino acid substitution p.Val2115Ile. This variant has been reported in individuals with breast cancer, chronic lymphocytic leukemia, or Cowden/Bannayan-Riley-Ruvalcaba syndromes (Adedokun et al. 2020. PubMed ID: 31871109; Table S6 in Tiao et al. 2017. PubMed ID: 28652578; Table S10 in Yehia et al. 2018. PubMed ID: 29684080). This variant is reported in 0.013% of alleles in individuals of African descent in gnomAD and has conflicting interpretations in ClinVar ranging from likely benign to uncertain significance (Variation ID: 135770). Although we suspect that this variant may be benign, at this time, the clinical significance of this variant is uncertain due to the absence of conclusive functional and genetic evidence.

Institute for Biomarker Research, Medical Diagnostic Laboratories, L.L.C.
Classification: Uncertain significance for Hereditary cancer-predisposing syndrome. Last evaluated: 2025-10-14. Review status: criteria provided, single submitter. Criteria: ACMG Guidelines, 2015. Collection method: clinical testing. Allele origin: germline.
Comment: The missense variant NM_000051.4(ATM):c.6343G>A (p.Val2115Ile) has not been reported previously as a pathogenic variant, to our knowledge. There is a small physicochemical difference between valine and isoleucine, which is not likely to impact secondary protein structure as these residues share similar properties. The gene ATM has a low rate of benign missense variation as indicated by a high missense variants Z-Score of 2.52. For these reasons, this variant has been classified as Uncertain Significance.

Women's Health and Genetics/Laboratory Corporation of America, LabCorp
Classification: Uncertain significance. Last evaluated: 2025-09-22. Review status: criteria provided, single submitter. Criteria: LabCorp Variant Classification Summary - May 2015. Collection method: clinical testing. Allele origin: germline.
Comment: Variant summary: ATM c.6343G>A (p.Val2115Ile) results in a conservative amino acid change located in the PIK-related kinase, FAT domain (IPR003151) of the encoded protein sequence. Algorithms developed to predict the effect of missense changes on protein structure and function all suggest that this variant is likely to be tolerated. The variant allele was found at a frequency of 3.2e-05 in 249350 control chromosomes. The available data on variant occurrences in the general population are insufficient to allow any conclusion about variant significance. c.6343G>A has been reported in the literature in individuals affected with Breast Cancer, Chronic Lymphocytic Leukemia, or Colorectal Cancer (Tiao_2017, de Oliveira_2022, Adedokun_2020, Pearlman_2021, Guindalini_2022, Petrackova_2022). These report(s) do not provide unequivocal conclusions about association of the variant with Breast Cancer. To our knowledge, no experimental evidence demonstrating an impact on protein function has been reported. The following publications have been ascertained in the context of this evaluation (PMID: 31871109, 35264596, 34250417, 36029002, 28652578, 35534704). ClinVar contains an entry for this variant (Variation ID: 135770). Based on the evidence outlined above, the variant was classified as uncertain significance.

Quest Diagnostics Nichols Institute San Juan Capistrano
Classification: Uncertain significance. Last evaluated: 2025-06-17. Review status: criteria provided, single submitter. Criteria: Quest Diagnostics criteria. Collection method: clinical testing. Allele origin: unknown.

Mayo Clinic Laboratories, Mayo Clinic
Classification: Uncertain significance. Last evaluated: 2025-04-07. Review status: criteria provided, single submitter. Criteria: ACMG Guidelines, 2015. Collection method: clinical testing. Allele origin: germline. Observed: 2 variant alleles.
Comment: BP4

Center for Genomic Medicine, Rigshospitalet, Copenhagen University Hospital
Classification: Uncertain significance. Last evaluated: 2025-03-04. Review status: criteria provided, single submitter. Criteria: ACMG Guidelines, 2015. Collection method: clinical testing. Allele origin: germline.

Labcorp Genetics (formerly Invitae), Labcorp
Classification: Uncertain significance for Ataxia-telangiectasia syndrome. Last evaluated: 2025-01-23. Review status: criteria provided, single submitter. Criteria: Invitae Variant Classification Sherloc (09022015). Collection method: clinical testing. Allele origin: germline.
Comment: This sequence change replaces valine, which is neutral and non-polar, with isoleucine, which is neutral and non-polar, at codon 2115 of the ATM protein (p.Val2115Ile). The frequency data for this variant in the population databases is considered unreliable, as metrics indicate poor data quality at this position in the gnomAD database. This missense change has been observed in individual(s) with chronic lymphocytic leukemia (CLL) and breast cancer (PMID: 26689913, 28652578, 31871109, 35264596, 35534704). ClinVar contains an entry for this variant (Variation ID: 135770). Invitae Evidence Modeling of protein sequence and biophysical properties (such as structural, functional, and spatial information, amino acid conservation, physicochemical variation, residue mobility, and thermodynamic stability) indicates that this missense variant is not expected to disrupt ATM protein function with a negative predictive value of 95%. In summary, the available evidence is currently insufficient to determine the role of this variant in disease. Therefore, it has been classified as a Variant of Uncertain Significance.

Myriad Genetics, Inc.
Classification: Likely benign for Familial cancer of breast. Last evaluated: 2024-11-12. Review status: criteria provided, single submitter. Criteria: Myriad Autosomal Dominant, Autosomal Recessive and X-Linked Classification Criteria (2023). Collection method: clinical testing. Allele origin: unknown.
Comment: This variant is considered likely benign. This variant is strongly associated with less severe personal and family histories of cancer, typical for individuals without pathogenic variants in this gene [PMID: 25085752].

Ambry Genetics
Classification: Likely benign for Hereditary cancer-predisposing syndrome. Last evaluated: 2024-10-01. Review status: criteria provided, single submitter. Criteria: Ambry Variant Classification Scheme 2023. Collection method: clinical testing. Allele origin: germline.

Color Diagnostics, LLC DBA Color Health
Classification: Uncertain significance for Hereditary cancer-predisposing syndrome. Last evaluated: 2024-07-26. Review status: criteria provided, single submitter. Criteria: ACMG Guidelines, 2015. Collection method: clinical testing. Allele origin: germline.
Comment: This missense variant replaces valine with isoleucine at codon 2115 of the ATM protein. Computational prediction suggests that this variant may not impact protein structure and function. To our knowledge, functional studies have not been reported for this variant. In a large international case-control study, this variant was reported in 6/60466 breast cancer cases and 1/53461 controls (OR=5.305, 95%CI 0.639 to 44.07, p-value=0.13; PMID: 33471991). This variant has been observed in individuals affected with ovarian cancer (PMID: 26689913), breast cancer (PMID: 35264596), chronic lymphocytic leukemia (PMID: 28652578) and thyroid cancer (PMID: 29684080). This variant has been identified in 8/244556 chromosomes in the general population by the Genome Aggregation Database (gnomAD). The available evidence is insufficient to determine the role of this variant in disease conclusively. Therefore, this variant is classified as a Variant of Uncertain Significance.

GeneDx
Classification: Uncertain significance. Last evaluated: 2023-11-06. Review status: criteria provided, single submitter. Criteria: GeneDx Variant Classification Process June 2021. Collection method: clinical testing. Allele origin: germline. Affected: yes.
Comment: In silico analysis supports that this missense variant does not alter protein structure/function; This variant is associated with the following publications: (PMID: 21787400, 26689913, 28652578, 29684080, 31871109, 33471991, 23532176, 35264596)

Department of Pathology and Laboratory Medicine, Sinai Health System
Classification: Uncertain significance for Familial cancer of breast. Last evaluated: 2023-05-25. Review status: criteria provided, single submitter. Criteria: ACMG Guidelines, 2015. Collection method: clinical testing. Allele origin: germline. Affected: yes.

CHEO Genetics Diagnostic Laboratory, Children's Hospital of Eastern Ontario
Classification: Uncertain significance for Breast and/or ovarian cancer. Last evaluated: 2022-04-05. Review status: criteria provided, single submitter. Criteria: ACMG Guidelines, 2015. Collection method: clinical testing. Allele origin: germline.

NM_000051.4(ATM):c.6343G>A (p.Val2115Ile)

Genes: ATM (ATM serine/threonine kinase; plus strand), C11orf65 (chromosome 11 open reading frame 65; minus strand). Cytogenetic location: 11q22.3.
Variant type: single nucleotide variant.
Coding change: c.6343G>A on transcript NM_000051.4 (MANE Select); coding-DNA position 6343, G replaced by A.
Protein change: p.Val2115Ile; replaces valine 2115 with isoleucine.
Molecular consequence: missense variant. On other transcripts: intron variant (2).
Genome position (GRCh38, 1-based): chr11:108,317,517, G>A. VCF-style: chr11-108317517-G-A. GRCh37 (hg19) VCF-style: chr11-108188244-G-A.
Other names: c.6343G>A, p.Val2115Ile (NM_001351834.2); c.641-8446C>T (NM_001330368.2); c.*39-8446C>T (NM_001351110.2); short protein forms V2115I.
Identifiers: ClinVar variation 135770 (VCV000135770.60), dbSNP rs587780634, ClinGen allele CA168504.